The following is an entry in ClinVar:

NM_203447.4(DOCK8):c.2326A>G (p.Ser776Gly)

Gene: DOCK8 (dedicator of cytokinesis 8; plus strand). Cytogenetic location: 9p24.3.
Variant type: single nucleotide variant.
Coding change: c.2326A>G on transcript NM_203447.4 (MANE Select); coding-DNA position 2326, A replaced by G.
Protein change: p.Ser776Gly; replaces serine 776 with glycine.
Molecular consequence: missense variant.
Genome position (GRCh38, 1-based): chr9:377,097, A>G. VCF-style: chr9-377097-A-G. GRCh37 (hg19) VCF-style: chr9-377097-A-G.
Other names: c.2122A>G, p.Ser708Gly (NM_001190458.2, NM_001193536.2); short protein forms S776G, S708G.
Identifiers: ClinVar variation 1348435 (VCV001348435.8), dbSNP rs2131263007, ClinGen allele CA372763275.

ClinVar aggregate classification (germline): Uncertain significance (1 of 4 stars; one submission).

Conditions:
Combined immunodeficiency due to DOCK8 deficiency (HIES2). Also called: HIES autosomal recessive; Hyper-IgE recurrent infection syndrome, autosomal recessive; HYPER-IgE SYNDROME 2, AUTOSOMAL RECESSIVE, WITH RECURRENT INFECTIONS; DOCK8 Deficiency; HYPER-IgE RECURRENT INFECTION SYNDROME 2, AUTOSOMAL RECESSIVE. Identifiers: Orphanet 217390, MedGen C4722305, MONDO:0009478, OMIM 243700.

Allele frequency attached by ClinVar (database versions not stated): gnomAD exomes below 0.00001.
gnomAD v4.1: 1 of 1,612,474 alleles (0.000062%); highest among the groups gnomAD compares: Non-Finnish European, 0.000085%; no homozygotes.

Submission:

Labcorp Genetics (formerly Invitae), Labcorp
Classification: Uncertain significance for Combined immunodeficiency due to DOCK8 deficiency. Last evaluated: 2021-04-24. Review status: criteria provided, single submitter. Criteria: Invitae Variant Classification Sherloc (09022015). Collection method: clinical testing. Allele origin: germline.
Comment: In summary, the available evidence is currently insufficient to determine the role of this variant in disease. Therefore, it has been classified as a Variant of Uncertain Significance. Algorithms developed to predict the effect of missense changes on protein structure and function (SIFT, PolyPhen-2, Align-GVGD) all suggest that this variant is likely to be tolerated, but these predictions have not been confirmed by published functional studies and their clinical significance is uncertain. This variant has not been reported in the literature in individuals with DOCK8-related conditions. This variant is not present in population databases (ExAC no frequency). This sequence change replaces serine with glycine at codon 776 of the DOCK8 protein (p.Ser776Gly). The serine residue is highly conserved and there is a small physicochemical difference between serine and glycine.